The following is an entry in ClinVar:

NM_007373.4(SHOC2):c.478A>G (p.Ser160Gly)

Gene: SHOC2 (SHOC2 leucine rich repeat scaffold protein; plus strand). Cytogenetic location: 10q25.2.
Variant type: single nucleotide variant.
Coding change: c.478A>G on transcript NM_007373.4 (MANE Select); coding-DNA position 478, A replaced by G.
Protein change: p.Ser160Gly; replaces serine 160 with glycine.
Molecular consequence: missense variant. On other transcripts: 5 prime UTR variant (1), non-coding transcript variant (1), intron variant (3).
Genome position (GRCh38, 1-based): chr10:110,964,836, A>G. VCF-style: chr10-110964836-A-G. GRCh37 (hg19) VCF-style: chr10-112724594-A-G.
Other names: c.478A>G, p.Ser160Gly (NM_001324336.2, NM_001324337.2, NM_001441184.1 and 4 more transcripts); c.-309A>G (NM_001441188.1); c.-380-20792A>G (NM_001441190.1); c.-249-20792A>G (NM_001441191.1); c.-242-35579A>G (NM_001441189.1); short protein forms S160G.
Identifiers: ClinVar variation 5016748 (VCV005016748.1).

ClinVar aggregate classification (germline): Uncertain significance (1 of 4 stars; one submission).

Submission:

GeneDx
Classification: Uncertain significance. Last evaluated: 2021-10-29. Review status: criteria provided, single submitter. Criteria: GeneDx Variant Classification Process June 2021. Collection method: clinical testing. Allele origin: germline.
Comment: Has not been previously published as pathogenic or benign to our knowledge; Not observed at significant frequency in large population cohorts (gnomAD); In silico analysis supports that this missense variant has a deleterious effect on protein structure/function; This variant is associated with the following publications: (PMID: 29493581)